The following is an entry in ClinVar:

ClinVar aggregate classification (germline): Uncertain significance (1 of 4 stars; one submission).

Conditions:
Neuropathy, hereditary sensory and autonomic, type 2A (HSAN2A). Also called: MORVAN DISEASE; NEUROPATHY, CONGENITAL SENSORY; NEUROPATHY, HEREDITARY SENSORY RADICULAR, AUTOSOMAL RECESSIVE; NEUROPATHY, HEREDITARY SENSORY, TYPE IIA; NEUROPATHY, PROGRESSIVE SENSORY, OF CHILDREN; ACROOSTEOLYSIS, GIACCAI TYPE. Identifiers: Orphanet 970, MedGen C2752089, MONDO:0024309, OMIM 201300.
Pseudohypoaldosteronism type 2C (PHA2C). Also called: Pseudohypoaldosteronism Type IIC. Identifiers: Orphanet 757, Orphanet 88940, MedGen C1840391, MONDO:0013778, OMIM 614492.

gnomAD v4.1: 1 of 1,614,226 alleles (0.000062%); no homozygotes.

Submission:

Labcorp Genetics (formerly Invitae), Labcorp
Classification: Uncertain significance for Neuropathy, hereditary sensory and autonomic, type 2A; Pseudohypoaldosteronism type 2C. Last evaluated: 2023-03-23. Review status: criteria provided, single submitter. Criteria: Invitae Variant Classification Sherloc (09022015). Collection method: clinical testing. Allele origin: germline.
Comment: This variant has not been reported in the literature in individuals affected with WNK1-related conditions. ClinVar contains an entry for this variant (Variation ID: 1713440). Advanced modeling of protein sequence and biophysical properties (such as structural, functional, and spatial information, amino acid conservation, physicochemical variation, residue mobility, and thermodynamic stability) performed at Invitae indicates that this missense variant is not expected to disrupt WNK1 protein function. In summary, the available evidence is currently insufficient to determine the role of this variant in disease. Therefore, it has been classified as a Variant of Uncertain Significance. This sequence change replaces threonine, which is neutral and polar, with isoleucine, which is neutral and non-polar, at codon 2380 of the WNK1 protein (p.Thr2380Ile). This variant is not present in population databases (gnomAD no frequency).

NM_018979.4(WNK1):c.6383C>T (p.Thr2128Ile)

Gene: WNK1 (WNK lysine deficient protein kinase 1; plus strand). Cytogenetic location: 12p13.33.
Variant type: single nucleotide variant.
Coding change: c.6383C>T on transcript NM_018979.4 (MANE Select); coding-DNA position 6383, C replaced by T.
Protein change: p.Thr2128Ile; replaces threonine 2128 with isoleucine.
Molecular consequence: missense variant.
Genome position (GRCh38, 1-based): chr12:897,616, C>T. VCF-style: chr12-897616-C-T. GRCh37 (hg19) VCF-style: chr12-1006782-C-T.
Other names: c.7163C>T, p.Thr2388Ile (NM_001184985.2); c.5639C>T, p.Thr1880Ile (NM_014823.3); c.7139C>T, p.Thr2380Ile (NM_213655.5); short protein forms T1880I, T2128I, T2380I, T2388I.
Identifiers: ClinVar variation 1713440 (VCV001713440.5), dbSNP rs2497621364, ClinGen allele CA383337300.